The following is an entry in ClinVar:

NM_001199397.3(NEK1):c.2140-195A>G

Gene: NEK1 (NIMA related kinase 1; minus strand). Cytogenetic location: 4q33.
Variant type: single nucleotide variant.
Coding change: c.2140-195A>G on transcript NM_001199397.3 (MANE Select); 195 bases into the intron before coding-DNA position 2140, A replaced by G.
Molecular consequence: intron variant.
Genome position (GRCh38, 1-based): chr4:169,477,692, T>C on the plus strand (A>G on the coding strand, the complement: NEK1 is on the minus strand). VCF-style: chr4-169477692-T-C. GRCh37 (hg19) VCF-style: chr4-170398843-T-C.
Other names: c.1834-195A>G (NM_001374421.1); c.2005-195A>G (NM_001374420.1); c.1849-195A>G (NM_001199399.3); c.2008-195A>G (NM_001199398.3); c.2056-195A>G (NM_001374419.1, NM_012224.4); c.1924-195A>G (NM_001199400.3); c.2140-195A>G (NM_001374418.1).
Identifiers: ClinVar variation 671220 (VCV000671220.1), dbSNP rs6857243, ClinGen allele CA109900630.

ClinVar aggregate classification (germline): Benign (1 of 4 stars; one submission).

Allele frequency attached by ClinVar (database versions not stated): 1000 Genomes Project 30x 0.45878; TOPMed 0.46384; gnomAD 0.46450 and 0.47163; 1000 Genomes Project 0.46745.
gnomAD v4.1: 71,647 of 151,746 alleles (47%); highest among the groups gnomAD compares: East Asian, 76%; 19,508 homozygotes.

Submission:

GeneDx
Classification: Benign. Last evaluated: 2018-06-14. Review status: criteria provided, single submitter. Criteria: GeneDx Variant Classification (06012015). Collection method: clinical testing. Allele origin: germline. Affected: yes.
Comment: This variant is considered likely benign or benign based on one or more of the following criteria: it is a conservative change, it occurs at a poorly conserved position in the protein, it is predicted to be benign by multiple in silico algorithms, and/or has population frequency not consistent with disease.